The following is an entry in ClinVar:

ClinVar aggregate classification (germline): Uncertain significance. Review status: criteria provided, multiple submitters, no conflicts (2 of 4 stars). 2 submissions from 2 submitters: Uncertain significance (2). Last evaluated 2025-12-31.

Conditions:
PRPF8-related disorder. Also called: PRPF8-related condition.

Allele frequency attached by ClinVar (database versions not stated): ExAC 0.00001; gnomAD 0.00001; TOPMed 0.00001; gnomAD exomes 0.00003.

Submissions (2):

PreventionGenetics, part of Exact Sciences
Classification: Uncertain significance for PRPF8-related condition. Last evaluated: 2025-12-31. Review status: criteria provided, single submitter. Criteria: ACMG Guidelines, 2015. Collection method: clinical testing. Allele origin: germline.
Comment: The PRPF8 c.5881A>G variant is predicted to result in the amino acid substitution p.Ile1961Val. This variant was previously reported in a cohort of individuals with retinal disease (Huang et al. Journal of Bio-X Research. Vol 01, Issue 03. DOI: 10.1097/JBR.0000000000000021). However, this variant is reported in 0.022% of alleles in individuals of East Asian descent in gnomAD, which is likely too frequent to be a primary cause of disease. Although we suspect that this variant may be benign, at this time, the clinical significance of this variant is uncertain due to the absence of conclusive functional and genetic evidence.

Labcorp Genetics (formerly Invitae), Labcorp
Classification: Uncertain significance. Last evaluated: 2024-03-04. Review status: criteria provided, single submitter. Criteria: Invitae Variant Classification Sherloc (09022015). Collection method: clinical testing. Allele origin: germline.
Comment: This sequence change replaces isoleucine, which is neutral and non-polar, with valine, which is neutral and non-polar, at codon 1961 of the PRPF8 protein (p.Ile1961Val). This variant is present in population databases (rs758386812, gnomAD 0.02%). This missense change has been observed in individual(s) with clinical features of retinitis pigmentosa (Invitae). ClinVar contains an entry for this variant (Variation ID: 1013892). Advanced modeling of protein sequence and biophysical properties (such as structural, functional, and spatial information, amino acid conservation, physicochemical variation, residue mobility, and thermodynamic stability) performed at Invitae indicates that this missense variant is not expected to disrupt PRPF8 protein function with a negative predictive value of 80%. In summary, the available evidence is currently insufficient to determine the role of this variant in disease. Therefore, it has been classified as a Variant of Uncertain Significance.

NM_006445.4(PRPF8):c.5881A>G (p.Ile1961Val)

Gene: PRPF8 (pre-mRNA processing factor 8; minus strand). Cytogenetic location: 17p13.3.
Variant type: single nucleotide variant.
Coding change: c.5881A>G on transcript NM_006445.4 (MANE Select); coding-DNA position 5881, A replaced by G.
Protein change: p.Ile1961Val; replaces isoleucine 1961 with valine.
Molecular consequence: missense variant.
Genome position (GRCh38, 1-based): chr17:1,655,456, T>C on the plus strand (A>G on the coding strand, the complement: PRPF8 is on the minus strand). VCF-style: chr17-1655456-T-C. GRCh37 (hg19) VCF-style: chr17-1558750-T-C.
Other names: c.5881A>G (NM_006445.3); short protein forms I1961V.
Identifiers: ClinVar variation 1013892 (VCV001013892.6), dbSNP rs758386812, ClinGen allele CA8271309.